The following is an entry in ClinVar:

ClinVar aggregate classification (germline): Conflicting classifications of pathogenicity. Review status: criteria provided, conflicting classifications (1 of 4 stars). 3 submissions from 3 submitters: Uncertain significance (1); Likely benign (2). Last evaluated 2021-12-18.

Conditions:
Cardiovascular phenotype. Identifiers: MedGen CN230736.
Brugada syndrome 4 (BRGDA4). Identifiers: Orphanet 130, MedGen C2678477, MONDO:0012743, OMIM 611876.

Allele frequency attached by ClinVar (database versions not stated): TOPMed below 0.00001; ExAC 0.00001; gnomAD exomes 0.00004.
gnomAD v4.1: 49 of 1,488,958 alleles (0.0033%); highest among the groups gnomAD compares: Non-Finnish European, 0.0045%; no homozygotes.

Submissions (3):

Labcorp Genetics (formerly Invitae), Labcorp
Classification: Uncertain significance for Brugada syndrome 4. Last evaluated: 2021-12-18. Review status: criteria provided, single submitter. Criteria: Invitae Variant Classification Sherloc (09022015). Collection method: clinical testing. Allele origin: germline.
Comment: This sequence change affects codon 380 of the CACNB2 mRNA. It is a 'silent' change, meaning that it does not change the encoded amino acid sequence of the CACNB2 protein. It affects a nucleotide within the consensus splice site. This variant is present in population databases (rs775556040, gnomAD 0.0009%). This variant has not been reported in the literature in individuals affected with CACNB2-related conditions. ClinVar contains an entry for this variant (Variation ID: 512010). Algorithms developed to predict the effect of sequence changes on RNA splicing suggest that this variant may create or strengthen a splice site. In summary, the available evidence is currently insufficient to determine the role of this variant in disease. Therefore, it has been classified as a Variant of Uncertain Significance.

Ambry Genetics
Classification: Likely benign for Cardiovascular phenotype. Last evaluated: 2020-05-11. Review status: criteria provided, single submitter. Criteria: Ambry Variant Classification Scheme 2023. Collection method: clinical testing. Allele origin: germline.

GeneDx
Classification: Likely benign. Last evaluated: 2017-09-12. Review status: criteria provided, single submitter. Criteria: GeneDx Variant Classification (06012015). Collection method: clinical testing. Allele origin: germline. Affected: yes.
Comment: This variant is considered likely benign or benign based on one or more of the following criteria: it is a conservative change, it occurs at a poorly conserved position in the protein, it is predicted to be benign by multiple in silico algorithms, and/or has population frequency not consistent with disease.

NM_201596.3(CACNB2):c.1302A>G (p.Pro434=)

Gene: CACNB2 (calcium voltage-gated channel auxiliary subunit beta 2; plus strand). Cytogenetic location: 10p12.31.
Variant type: single nucleotide variant.
Coding change: c.1302A>G on transcript NM_201596.3 (MANE Select); coding-DNA position 1302, A replaced by G.
Protein change: p.Pro434=; no amino-acid change (proline 434 retained).
Molecular consequence: synonymous variant.
Genome position (GRCh38, 1-based): chr10:18,536,196, A>G. VCF-style: chr10-18536196-A-G. GRCh37 (hg19) VCF-style: chr10-18825125-A-G.
Other names: c.1137A>G, p.Pro379= (NM_000724.4); c.1104A>G, p.Pro368= (NM_001167945.2); c.1023A>G, p.Pro341= (NM_001330060.2); c.1158A>G, p.Pro386= (NM_201570.3); c.1218A>G, p.Pro406= (NM_201571.4); c.1146A>G, p.Pro382= (NM_201572.4); c.1140A>G, p.Pro380= (NM_201590.3); c.1188A>G, p.Pro396= (NM_201593.3); and 1 more.
Identifiers: ClinVar variation 512010 (VCV000512010.4), dbSNP rs775556040, ClinGen allele CA5429967.